The following is an entry in ClinVar:

NM_015450.3(POT1):c.730C>T (p.Leu244Phe)

Gene: POT1 (protection of telomeres 1; minus strand). Cytogenetic location: 7q31.33.
Variant type: single nucleotide variant.
Coding change: c.730C>T on transcript NM_015450.3 (MANE Select); coding-DNA position 730, C replaced by T.
Protein change: p.Leu244Phe; replaces leucine 244 with phenylalanine.
Molecular consequence: missense variant. On other transcripts: non-coding transcript variant (3).
Genome position (GRCh38, 1-based): chr7:124,853,111, G>A on the plus strand (C>T on the coding strand, the complement: POT1 is on the minus strand). VCF-style: chr7-124853111-G-A. GRCh37 (hg19) VCF-style: chr7-124493165-G-A.
Other names: c.337C>T, p.Leu113Phe (NM_001042594.2); short protein forms L244F, L113F.
Identifiers: ClinVar variation 3656074 (VCV003656074.2).

ClinVar aggregate classification (germline): Uncertain significance (1 of 4 stars; one submission).

Conditions:
Tumor predisposition syndrome 3 (TPDS3). Also called: Melanoma, cutaneous malignant, susceptibility to, 10; Glioma susceptibility 9; LONG TELOMERE SYNDROME, POT1-RELATED; POT1 Tumor Predisposition. Identifiers: Orphanet 618, MedGen C4014476, MONDO:0014368, OMIM 615848.

Submission:

Labcorp Genetics (formerly Invitae), Labcorp
Classification: Uncertain significance for Tumor predisposition syndrome 3. Last evaluated: 2024-06-13. Review status: criteria provided, single submitter. Criteria: Invitae Variant Classification Sherloc (09022015). Collection method: clinical testing. Allele origin: germline.
Comment: This sequence change replaces leucine, which is neutral and non-polar, with phenylalanine, which is neutral and non-polar, at codon 244 of the POT1 protein (p.Leu244Phe). This variant is not present in population databases (gnomAD no frequency). This variant has not been reported in the literature in individuals affected with POT1-related conditions. Advanced modeling of protein sequence and biophysical properties (such as structural, functional, and spatial information, amino acid conservation, physicochemical variation, residue mobility, and thermodynamic stability) performed at Invitae indicates that this missense variant is not expected to disrupt POT1 protein function with a negative predictive value of 80%. In summary, the available evidence is currently insufficient to determine the role of this variant in disease. Therefore, it has been classified as a Variant of Uncertain Significance.